The following is an entry in ClinVar:

NM_022836.4(DCLRE1B):c.1434C>T (p.Gly478=)

Gene: DCLRE1B (DNA cross-link repair 1B; plus strand). Cytogenetic location: 1p13.2.
Variant type: single nucleotide variant.
Coding change: c.1434C>T on transcript NM_022836.4 (MANE Select); coding-DNA position 1434, C replaced by T.
Protein change: p.Gly478=; no amino-acid change (glycine 478 retained).
Molecular consequence: synonymous variant. On other transcripts: intron variant (2).
Genome position (GRCh38, 1-based): chr1:113,912,026, C>T. VCF-style: chr1-113912026-C-T. GRCh37 (hg19) VCF-style: chr1-114454648-C-T.
Other names: c.1056C>T, p.Gly352= (NM_001319946.2, NM_001319947.2); c.1247-106C>T (NM_001363690.2); c.869-106C>T (NM_001363691.2); c.1434C>T (NM_022836.3).
Identifiers: ClinVar variation 1114451 (VCV001114451.14), dbSNP rs199507509, ClinGen allele CA1016589.

ClinVar aggregate classification (germline): Likely benign. Review status: criteria provided, multiple submitters, no conflicts (2 of 4 stars). 3 submissions from 3 submitters: Likely benign (3). Last evaluated 2026-06-22.

Conditions:
Autosomal recessive dyskeratosis congenita. Identifiers: MedGen C3502105.
Hoyeraal-Hreidarsson syndrome (HHS). Also called: CEREBELLAR HYPOPLASIA WITH PANCYTOPENIA. Identifiers: Orphanet 3322, MedGen C1846142, MONDO:0018045.
DCLRE1B-related disorder. Also called: DCLRE1B-related condition.

Allele frequency attached by ClinVar (database versions not stated): ExAC 0.00006; gnomAD 0.00007 and 0.00008; ESP Exome Variant Server 0.00023; gnomAD exomes 0.00029 and 0.00008; TOPMed 0.00008.
gnomAD v4.1: 424 of 1,614,086 alleles (0.026%); highest among the groups gnomAD compares: Non-Finnish European, 0.035%; no homozygotes.

Submissions (3):

PreventionGenetics, part of Exact Sciences
Classification: Likely benign for DCLRE1B-related condition. Last evaluated: 2026-06-22. Review status: criteria provided, single submitter. Criteria: ACMG Guidelines, 2015. Collection method: clinical testing. Allele origin: germline.
Comment: This variant is classified as likely benign based on ACMG/AMP sequence variant interpretation guidelines (Richards et al. 2015 PMID: 25741868, with internal and published modifications).

CeGaT Center for Human Genetics Tuebingen
Classification: Likely benign. Last evaluated: 2026-03-01. Review status: criteria provided, single submitter. Criteria: CeGaT Center For Human Genetics Tuebingen Variant Classification Criteria Version 2. Collection method: clinical testing. Allele origin: germline. Affected: yes. Observed: 1 variant allele.
Comment: DCLRE1B: BP4, BP7

Labcorp Genetics (formerly Invitae), Labcorp
Classification: Likely benign for Hoyeraal-Hreidarsson syndrome; Autosomal recessive dyskeratosis congenita. Last evaluated: 2019-09-29. Review status: criteria provided, single submitter. Criteria: Invitae Variant Classification Sherloc (09022015). Collection method: clinical testing. Allele origin: germline.